The following is an entry in ClinVar:

NM_000053.4(ATP7B):c.3899T>C (p.Ile1300Thr)

Gene: ATP7B (ATPase copper transporting beta; minus strand). Cytogenetic location: 13q14.3.
Variant type: single nucleotide variant.
Coding change: c.3899T>C on transcript NM_000053.4 (MANE Select); coding-DNA position 3899, T replaced by C.
Protein change: p.Ile1300Thr; replaces isoleucine 1300 with threonine.
Molecular consequence: missense variant.
Genome position (GRCh38, 1-based): chr13:51,937,480, A>G on the plus strand (T>C on the coding strand, the complement: ATP7B is on the minus strand). VCF-style: chr13-51937480-A-G. GRCh37 (hg19) VCF-style: chr13-52511616-A-G.
Other names: c.3278T>C, p.Ile1093Thr (NM_001005918.3); c.3566T>C, p.Ile1189Thr (NM_001243182.2); c.3665T>C, p.Ile1222Thr (NM_001330578.2); c.3647T>C, p.Ile1216Thr (NM_001330579.2); short protein forms I1093T, I1189T, I1216T, I1222T, I1300T.
Identifiers: ClinVar variation 1482682 (VCV001482682.3), dbSNP rs1957038377, ClinGen allele CA388021363.
Genomic context (GRCh38, chr13:51,937,480, plus strand): 5'-AAGGGGTCTGCCCATTGCCCTCCCAGCACCCACAGCCTGGCTGCAGCCACGCTCACTCTG[A>G]TAAGGACGACGTCGGCTGCCTCGATGGCCACATCCGTGCCGGTGCCAATGGCCACACCCA-3'
Protein context (NP_000044.2, residues 1290-1310): VAIEAADVVL[Ile1300Thr]RNDLLDVVAS

ClinVar aggregate classification (germline): Uncertain significance (1 of 4 stars; one submission).

Conditions:
Wilson disease (WND). Also called: Wilson's disease. Identifiers: Orphanet 905, MedGen C0019202, MONDO:0010200, OMIM 277900. Disease mechanism: loss of function.

Allele frequency attached by ClinVar (database versions not stated): gnomAD exomes below 0.00001.
gnomAD v4.1: 2 of 1,614,076 alleles (0.00012%); highest among the groups gnomAD compares: South Asian, 0.0022%; no homozygotes.

Submission:

Labcorp Genetics (formerly Invitae), Labcorp
Classification: Uncertain significance for Wilson disease. Last evaluated: 2021-11-08. Review status: criteria provided, single submitter. Criteria: Invitae Variant Classification Sherloc (09022015). Collection method: clinical testing. Allele origin: germline.
Comment: This sequence change replaces isoleucine, which is neutral and non-polar, with threonine, which is neutral and polar, at codon 1300 of the ATP7B protein (p.Ile1300Thr). This variant is not present in population databases (gnomAD no frequency). This variant has not been reported in the literature in individuals affected with ATP7B-related conditions. Advanced modeling of protein sequence and biophysical properties (such as structural, functional, and spatial information, amino acid conservation, physicochemical variation, residue mobility, and thermodynamic stability) performed at Invitae indicates that this missense variant is expected to disrupt ATP7B protein function. In summary, the available evidence is currently insufficient to determine the role of this variant in disease. Therefore, it has been classified as a Variant of Uncertain Significance.